The following is an entry in ClinVar:

ClinVar aggregate classification (germline): Conflicting classifications of pathogenicity. Review status: criteria provided, conflicting classifications (1 of 4 stars). 5 submissions from 3 submitters: Uncertain significance (2); Benign (1); Likely benign (2). Last evaluated 2026-01-14.

Conditions:
Age related macular degeneration 5. Identifiers: MedGen C3151063, MONDO:0013409, OMIM 613761.
Cerebrooculofacioskeletal syndrome 1 (COFS1). Also called: Cerebro-oculo-facio-skeletal syndrome 1. Identifiers: MedGen C0220722, MONDO:0008955, OMIM 214150.
Cockayne syndrome type 2 (CSB). Also called: COCKAYNE SYNDROME B; Cockayne Syndrome, Type II. Identifiers: Orphanet 191, Orphanet 90322, MedGen C0751038, MONDO:0019570, OMIM 133540.

Allele frequency attached by ClinVar (database versions not stated): ExAC 0.00030; 1000 Genomes Project 30x 0.00109; gnomAD 0.00113 and 0.00118; ESP Exome Variant Server 0.00115; TOPMed 0.00118; 1000 Genomes Project 0.00120.
gnomAD v4.1: 310 of 1,614,120 alleles (0.019%); highest among the groups gnomAD compares: African/African-American, 0.34%; no homozygotes.

Submissions (5):

Labcorp Genetics (formerly Invitae), Labcorp
Classification: Benign. Last evaluated: 2026-01-14. Review status: criteria provided, single submitter. Criteria: Invitae Variant Classification Sherloc (09022015). Collection method: clinical testing. Allele origin: germline.

Blueprint Genetics
Classification: Likely benign. Last evaluated: 2024-09-02. Review status: criteria provided, single submitter. Criteria: ACMG Guidelines, 2015. Collection method: clinical testing. Allele origin: germline.

Illumina Laboratory Services, Illumina
Classification: Uncertain significance for Cerebrooculofacioskeletal syndrome 1. Last evaluated: 2018-01-13. Review status: criteria provided, single submitter. Criteria: ICSL Variant Classification Criteria 13 December 2019. Collection method: clinical testing. Allele origin: germline.

Illumina Laboratory Services, Illumina
Classification: Likely benign for Age related macular degeneration 5. Last evaluated: 2018-01-13. Review status: criteria provided, single submitter. Criteria: ICSL Variant Classification Criteria 13 December 2019. Collection method: clinical testing. Allele origin: germline.
Comment: This variant was observed in the ICSL laboratory as part of a predisposition screen in an ostensibly healthy population. It had not been previously curated by ICSL or reported in the Human Gene Mutation Database (HGMD: prior to June 1st, 2018), and was therefore a candidate for classification through an automated scoring system. Utilizing variant allele frequency, disease prevalence and penetrance estimates, and inheritance mode, an automated score was calculated to assess if this variant is too frequent to cause the disease. Based on the score and internal cut-off values, a variant classified as likely benign is not then subjected to further curation. The score for this variant resulted in a classification of likely benign for this disease.

Illumina Laboratory Services, Illumina
Classification: Uncertain significance for Cockayne syndrome type 2. Last evaluated: 2018-01-13. Review status: criteria provided, single submitter. Criteria: ICSL Variant Classification Criteria 13 December 2019. Collection method: clinical testing. Allele origin: germline.

NM_000124.4(ERCC6):c.1761G>T (p.Thr587=)

Gene: ERCC6 (ERCC excision repair 6, chromatin remodeling factor; minus strand). Cytogenetic location: 10q11.23.
Variant type: single nucleotide variant.
Coding change: c.1761G>T on transcript NM_000124.4 (MANE Select); coding-DNA position 1761, G replaced by T.
Protein change: p.Thr587=; no amino-acid change (threonine 587 retained).
Molecular consequence: synonymous variant.
Genome position (GRCh38, 1-based): chr10:49,493,177, C>A on the plus strand (G>T on the coding strand, the complement: ERCC6 is on the minus strand). VCF-style: chr10-49493177-C-A. GRCh37 (hg19) VCF-style: chr10-50701223-C-A.
Other names: c.1761G>T, p.Thr587= (NM_001346440.2).
Identifiers: ClinVar variation 300076 (VCV000300076.16), dbSNP rs144608959, ClinGen allele CA5495876.
Genomic context (GRCh38, chr10:49,493,177, plus strand): 5'-CTTTTTGTGGGTATAGGAACCGGTTTCATGTAGAATTGCCACTCTGAACGGAGGCCACCA[C>A]GTGTGAAATTCCTTCACCCACTGATGCATCACTGTTGTTGGACAGACAATTACAGTTGGA-3'
Protein context (NP_000115.1, residues 577-597): VMHQWVKEFH[Thr587=]WWPPFRVAIL